The following is an entry in ClinVar:

ClinVar aggregate classification (germline): Uncertain significance. Review status: criteria provided, multiple submitters, no conflicts (2 of 4 stars). 2 submissions from 2 submitters: Uncertain significance (2). Last evaluated 2025-05-22.

Conditions:
IFAP syndrome 1, with or without BRESHECK syndrome. Also called: IFAP syndrome with or without BRESHECK syndrome; ICHTHYOSIS FOLLICULARIS, ATRICHIA, AND PHOTOPHOBIA WITH OR WITHOUT BRAIN ANOMALIES, RETARDATION, ECTODERMAL DYSPLASIA, SKELETAL MALFORMATIONS, HIRSCHSPRUNG DISEASE, EAR/EYE ANOMALIES, CLEFT PALATE/CRYPTORCHIDISM, AND KIDNEY DYSPLASIA/HYPOPLASIA; IFAP SYNDROME 1. Identifiers: Orphanet 2273, Orphanet 85284, MedGen C5399971, MONDO:0100213, OMIM 308205.

Allele frequency attached by ClinVar (database versions not stated): TOPMed below 0.00001; gnomAD exomes 0.00001.
gnomAD v4.1: 8 of 1,211,461 alleles (0.00066%); highest among the groups gnomAD compares: Non-Finnish European, 0.00089%; no homozygotes.

Submissions (2):

Labcorp Genetics (formerly Invitae), Labcorp
Classification: Uncertain significance. Last evaluated: 2025-05-22. Review status: criteria provided, single submitter. Criteria: Invitae Variant Classification Sherloc (09022015). Collection method: clinical testing. Allele origin: germline.
Comment: This sequence change replaces alanine, which is neutral and non-polar, with valine, which is neutral and non-polar, at codon 507 of the MBTPS2 protein (p.Ala507Val). This variant is present in population databases (no rsID available, gnomAD 0.002%). This variant has not been reported in the literature in individuals affected with MBTPS2-related conditions. ClinVar contains an entry for this variant (Variation ID: 931207). Invitae Evidence Modeling of protein sequence and biophysical properties (such as structural, functional, and spatial information, amino acid conservation, physicochemical variation, residue mobility, and thermodynamic stability) indicates that this missense variant is not expected to disrupt MBTPS2 protein function with a negative predictive value of 95%. In summary, the available evidence is currently insufficient to determine the role of this variant in disease. Therefore, it has been classified as a Variant of Uncertain Significance.

Centre for Mendelian Genomics, University Medical Centre Ljubljana
Classification: Uncertain significance for IFAP syndrome 1, with or without BRESHECK syndrome. Last evaluated: 2018-10-22. Review status: criteria provided, single submitter. Criteria: ACMG Guidelines, 2015. Collection method: clinical testing. Allele origin: unknown. Affected: yes.
Comment: This variant was classified as: Uncertain significance. The available evidence on this variant's pathogenicity is insufficient or conflicting. The following ACMG criteria were applied in classifying this variant: PM1,PP2,PP3. This variant was detected in hemizygous state.

NM_015884.4(MBTPS2):c.1520C>T (p.Ala507Val)

Gene: MBTPS2 (membrane bound transcription factor peptidase, site 2; plus strand). Cytogenetic location: Xp22.12.
Variant type: single nucleotide variant.
Coding change: c.1520C>T on transcript NM_015884.4 (MANE Select); coding-DNA position 1520, C replaced by T.
Protein change: p.Ala507Val; replaces alanine 507 with valine.
Molecular consequence: missense variant.
Genome position (GRCh38, 1-based): chrX:21,882,615, C>T. VCF-style: chrX-21882615-C-T. GRCh37 (hg19) VCF-style: chrX-21900733-C-T.
Other names: short protein forms A507V.
Identifiers: ClinVar variation 931207 (VCV000931207.11), dbSNP rs1486619088, ClinGen allele CA412570780.